The following is an entry in ClinVar:

ClinVar aggregate classification (germline): Uncertain significance (1 of 4 stars; one submission).

Conditions:
Charcot-Marie-Tooth disease type 4A. Also called: Charcot-Marie-Tooth disease, demyelinating, autosomal recessive, type 4a. Identifiers: Orphanet 99948, MedGen C1859198, MONDO:0008961, OMIM 214400.

Allele frequency attached by ClinVar (database versions not stated): TOPMed below 0.00001.

Submission:

Labcorp Genetics (formerly Invitae), Labcorp
Classification: Uncertain significance for Charcot-Marie-Tooth disease type 4A. Last evaluated: 2022-06-22. Review status: criteria provided, single submitter. Criteria: Invitae Variant Classification Sherloc (09022015). Collection method: clinical testing. Allele origin: germline.
Comment: In summary, the available evidence is currently insufficient to determine the role of this variant in disease. Therefore, it has been classified as a Variant of Uncertain Significance. Advanced modeling of protein sequence and biophysical properties (such as structural, functional, and spatial information, amino acid conservation, physicochemical variation, residue mobility, and thermodynamic stability) performed at Invitae indicates that this missense variant is expected to disrupt GDAP1 protein function. This variant has not been reported in the literature in individuals affected with GDAP1-related conditions. This variant is not present in population databases (gnomAD no frequency). This sequence change replaces arginine, which is basic and polar, with threonine, which is neutral and polar, at codon 286 of the GDAP1 protein (p.Arg286Thr).

NM_018972.4(GDAP1):c.857G>C (p.Arg286Thr)

Gene: GDAP1 (ganglioside induced differentiation associated protein 1; plus strand). Cytogenetic location: 8q21.11.
Variant type: single nucleotide variant.
Coding change: c.857G>C on transcript NM_018972.4 (MANE Select); coding-DNA position 857, G replaced by C.
Protein change: p.Arg286Thr; replaces arginine 286 with threonine.
Molecular consequence: missense variant. On other transcripts: intron variant (1).
Genome position (GRCh38, 1-based): chr8:74,364,147, G>C. VCF-style: chr8-74364147-G-C. GRCh37 (hg19) VCF-style: chr8-75276382-G-C.
Other names: c.653G>C, p.Arg218Thr (NM_001040875.4); c.530G>C, p.Arg177Thr (NM_001362929.2, NM_001362932.2); c.683G>C, p.Arg228Thr (NM_001362930.2); c.694+1094G>C (NM_001362931.2); short protein forms R228T, R218T, R177T, R286T.
Identifiers: ClinVar variation 2004748 (VCV002004748.4), dbSNP rs1809507740, ClinGen allele CA371550404.